The following is an entry in ClinVar:

ClinVar aggregate classification (germline): Conflicting classifications of pathogenicity. Review status: criteria provided, conflicting classifications (1 of 4 stars). 5 submissions from 5 submitters: Uncertain significance (1); Likely benign (3). 1 of the submissions does not count toward it. Last evaluated 2026-01-14.

Conditions:
Fanconi anemia (FA). Also called: Fanconi's anemia. Identifiers: Orphanet 84, MedGen C0015625, MeSH D005199, MONDO:0019391.
Fanconi anemia complementation group A (FANCA). Also called: Fanconi anemia, group A; FANCA-Related Fanconi Anemia. Identifiers: Orphanet 84, MedGen C3469521, MONDO:0009215, OMIM 227650.
Inborn genetic diseases. Identifiers: MedGen C0950123, MeSH D030342.

Allele frequency attached by ClinVar (database versions not stated): ExAC 0.00001; gnomAD 0.00001; gnomAD exomes 0.00001; TOPMed 0.00001.
gnomAD v4.1: 15 of 1,613,968 alleles (0.00093%); highest among the groups gnomAD compares: Non-Finnish European, 0.0012%; no homozygotes.

Submissions (5):

Labcorp Genetics (formerly Invitae), Labcorp
Classification: Likely benign for Fanconi anemia. Last evaluated: 2026-01-14. Review status: criteria provided, single submitter. Criteria: Invitae Variant Classification Sherloc (09022015). Collection method: clinical testing. Allele origin: germline.

CeGaT Center for Human Genetics Tuebingen
Classification: Likely benign. Last evaluated: 2025-10-01. Review status: criteria provided, single submitter. Criteria: CeGaT Center For Human Genetics Tuebingen Variant Classification Criteria Version 2. Collection method: clinical testing. Allele origin: germline. Affected: yes. Observed: 3 variant alleles.
Comment: FANCA: BP4, BP7

Ambry Genetics
Classification: Likely benign for Inborn genetic diseases. Last evaluated: 2024-11-21. Review status: criteria provided, single submitter. Criteria: Ambry Variant Classification Scheme 2023. Collection method: clinical testing. Allele origin: germline.

Fulgent Genetics
Classification: Uncertain significance for Fanconi anemia complementation group A. Last evaluated: 2024-03-18. Review status: criteria provided, single submitter. Criteria: ACMG Guidelines, 2015. Collection method: clinical testing. Allele origin: germline.

Natera, Inc.
Classification: Uncertain significance for Fanconi anemia, group A. Last evaluated: 2020-08-14. Review status: no assertion criteria provided. Collection method: clinical testing. Allele origin: germline. Not counted in ClinVar's aggregate classification.

NM_000135.4(FANCA):c.2394C>T (p.Leu798=)

Gene: FANCA (FA complementation group A; minus strand). Cytogenetic location: 16q24.3.
Variant type: single nucleotide variant.
Coding change: c.2394C>T on transcript NM_000135.4 (MANE Select); coding-DNA position 2394, C replaced by T.
Protein change: p.Leu798=; no amino-acid change (leucine 798 retained).
Molecular consequence: synonymous variant.
Genome position (GRCh38, 1-based): chr16:89,769,947, G>A on the plus strand (C>T on the coding strand, the complement: FANCA is on the minus strand). VCF-style: chr16-89769947-G-A. GRCh37 (hg19) VCF-style: chr16-89836355-G-A.
Other names: c.2394C>T (NM_000135.2); c.2394C>T, p.Leu798= (NM_001286167.3).
Identifiers: ClinVar variation 990015 (VCV000990015.35), dbSNP rs765883419, ClinGen allele CA8251736.